The following is an entry in ClinVar:

ClinVar aggregate classification (germline): Uncertain significance (1 of 4 stars; one submission).

Conditions:
Familial thoracic aortic aneurysm and aortic dissection (TAAD). Also called: Thoracic aortic aneurysms and dissections. Identifiers: Orphanet 91387, MedGen C4707243, MONDO:0019625.

Submission:

Ambry Genetics
Classification: Uncertain significance for Familial thoracic aortic aneurysm and aortic dissection. Last evaluated: 2026-05-20. Review status: criteria provided, single submitter. Criteria: Ambry Variant Classification Scheme 2023. Collection method: clinical testing. Allele origin: germline.
Comment: The p.L837I variant (also known as c.2509C>A), located in coding exon 19 of the MYH11 gene, results from a C to A substitution at nucleotide position 2509. The leucine at codon 837 is replaced by isoleucine, an amino acid with highly similar properties. This amino acid position is conserved. In addition, this alteration is predicted to be tolerated by in silico analysis. Based on the available evidence, the clinical significance of this variant remains unclear.

NM_002474.3(MYH11):c.2509C>A (p.Leu837Ile)

Gene: MYH11 (myosin heavy chain 11; minus strand). Cytogenetic location: 16p13.11.
Variant type: single nucleotide variant.
Coding change: c.2509C>A on transcript NM_002474.3 (MANE Select); coding-DNA position 2509, C replaced by A.
Protein change: p.Leu837Ile; replaces leucine 837 with isoleucine.
Molecular consequence: missense variant.
Genome position (GRCh38, 1-based): chr16:15,745,140, G>T on the plus strand (C>A on the coding strand, the complement: MYH11 is on the minus strand). VCF-style: chr16-15745140-G-T. GRCh37 (hg19) VCF-style: chr16-15838997-G-T.
Other names: c.2530C>A, p.Leu844Ile (NM_001040113.2, NM_001040114.2); c.2509C>A, p.Leu837Ile (NM_022844.3); short protein forms L837I, L844I.
Identifiers: ClinVar variation 4860537 (VCV004860537.1).